The following is an entry in ClinVar:

ClinVar aggregate classification (germline): Likely pathogenic. Review status: criteria provided, multiple submitters, no conflicts (2 of 4 stars). 2 submissions from 2 submitters: Likely pathogenic (2). Last evaluated 2025-08-27.

Conditions:
Intellectual developmental disorder with dysmorphic facies and behavioral abnormalities. Identifiers: MedGen C4748135, MONDO:0060760, OMIM 618089.

Submissions (2):

Undiagnosed Diseases Network, NIH
Classification: Likely pathogenic for Intellectual developmental disorder with dysmorphic facies and behavioral abnormalities. Last evaluated: 2025-08-27. Review status: criteria provided, single submitter. Criteria: ACMG Guidelines, 2015. Collection method: clinical testing. Allele origin: de novo. Affected: yes. Observed: 1 variant allele, 1 heterozygote. Study: Undiagnosed Diseases Network (NIH), UDN.
Comment: The c.1636G>A variant in the FBXO11 gene has not previously been described in ClinVar. This variant has not been observed in gnomAD. This variant is predicted to be deleterious (CADD:33, REVEL:0.874).

Daryl Scott Lab, Baylor College of Medicine
Classification: Likely pathogenic for Intellectual developmental disorder with dysmorphic facies and behavioral abnormalities. Last evaluated: 2025-08-25. Review status: criteria provided, single submitter. Criteria: ACMG Guidelines, 2015. Collection method: clinical testing. Allele origin: de novo. Affected: yes. Observed: 1 heterozygote.
Comment: PS2, PM2, PM5, PP3

NM_001190274.2(FBXO11):c.1636G>A (p.Gly546Arg)

Gene: FBXO11 (F-box protein 11; minus strand). Cytogenetic location: 2p16.3.
Variant type: single nucleotide variant.
Coding change: c.1636G>A on transcript NM_001190274.2 (MANE Select); coding-DNA position 1636, G replaced by A.
Protein change: p.Gly546Arg; replaces glycine 546 with arginine.
Molecular consequence: missense variant.
Genome position (GRCh38, 1-based): chr2:47,822,284, C>T on the plus strand (G>A on the coding strand, the complement: FBXO11 is on the minus strand). VCF-style: chr2-47822284-C-T. GRCh37 (hg19) VCF-style: chr2-48049423-C-T.
Other names: c.1384G>A, p.Gly462Arg (NM_001374325.1, NM_025133.4); short protein forms G462R, G546R.
Identifiers: ClinVar variation 4277376 (VCV004277376.2).
Genomic context (GRCh38, chr2:47,822,284, plus strand): 5'-TGTCATTTCCTTCAATAAGGCCTCGTCCATCACCAAAGATGTAAACTCCTCCTTGATTTC[C>T]ATTAAATATAGAATTTCCCCTATAATTATGCGAAATAAAAAAAAAGAAGACATCTATTCA-3'
Protein context (NP_001177203.1, residues 536-556): PTIRGNSIFN[Gly546Arg]NQGGVYIFGD